The following is an entry in ClinVar:

ClinVar aggregate classification (germline): Pathogenic. Review status: criteria provided, multiple submitters, no conflicts (2 of 4 stars). 5 submissions from 5 submitters: Pathogenic (5). Last evaluated 2025-02-13.

Conditions:
Hereditary cancer-predisposing syndrome. Also called: Hereditary Cancer Syndrome; Neoplastic Syndromes, Hereditary; Tumor predisposition; Hereditary neoplastic syndrome. Identifiers: Orphanet 140162, MedGen C0027672, MeSH D009386, MONDO:0015356.
Neurofibromatosis, type 1 (NF1). Also called: Neurofibromatosis, type I; VON RECKLINGHAUSEN DISEASE; NEUROFIBROMATOSIS, TYPE I, SOMATIC; Peripheral type neurofibromatosis. Identifiers: Orphanet 636, MedGen C0027831, MONDO:0018975, OMIM 162200. Disease mechanism: loss of function.

Submissions (6):

Labcorp Genetics (formerly Invitae), Labcorp
Classification: Pathogenic for Neurofibromatosis, type 1. Last evaluated: 2025-02-13. Review status: criteria provided, single submitter. Criteria: Invitae Variant Classification Sherloc (09022015). Collection method: clinical testing. Allele origin: germline.
Comment: This sequence change affects an acceptor splice site in intron 36 of the NF1 gene. It is expected to disrupt RNA splicing. Variants that disrupt the donor or acceptor splice site typically lead to a loss of protein function (PMID: 16199547), and loss-of-function variants in NF1 are known to be pathogenic (PMID: 10712197, 23913538). This variant is not present in population databases (gnomAD no frequency). Disruption of this splice site has been observed in individuals with neurofibromatosis, type 1 (PMID: 10980545, 25325900). This variant is also known as c.5269-1G>A. ClinVar contains an entry for this variant (Variation ID: 233026). Algorithms developed to predict the effect of sequence changes on RNA splicing suggest that this variant may disrupt the consensus splice site. For these reasons, this variant has been classified as Pathogenic.

GeneDx
Classification: Pathogenic. Last evaluated: 2023-03-14. Review status: criteria provided, single submitter. Criteria: GeneDx Variant Classification Process June 2021. Collection method: clinical testing. Allele origin: germline. Affected: yes.
Comment: Canonical splice site variant predicted to result in a null allele in a gene for which loss of function is a known mechanism of disease; Not observed at significant frequency in large population cohorts (gnomAD); This variant is associated with the following publications: (PMID: 25325900)

Genome-Nilou Lab
Classification: Pathogenic for Neurofibromatosis, type 1. Last evaluated: 2022-03-15. Review status: criteria provided, single submitter. Criteria: ACMG Guidelines, 2015. Collection method: clinical testing. Allele origin: germline. Affected: no.

Ambry Genetics
Classification: Pathogenic for Hereditary cancer-predisposing syndrome. Last evaluated: 2015-07-17. Review status: criteria provided, single submitter. Criteria: Ambry Autosomal Dominant and X-Linked criteria (10/2015). Collection method: clinical testing. Allele origin: germline. Observed: 1 variant allele.
Comment: The c.5269-1G>A intronic pathogenic mutationresults from a G to A substitution one nucleotide upstream from coding exon 38 of the NF1 gene. Using the BDGP and ESEfinder splice site prediction tools, this alteration is predicted to abolish the native acceptor splice site; however, direct evidence is unavailable.<span style="color:rgb(54, 43, 54); font-family:arial,sans-serif">In addition, alterations that disrupt the canonical splice donor site are typically deleterious in nature (ACMGRecommendations for Standards for Interpretation and Reporting of Sequence Variations. Revision 2007.Genet Med. 2008;10:294). Based on the available evidence,c.5269-1G>Ais classified as a pathogenic mutation.

Suma Genomics
Classification: Pathogenic for Neurofibromatosis, type 1. Review status: criteria provided, single submitter. Criteria: ACMG Guidelines, 2015. Collection method: clinical testing. Allele origin: de novo. Inheritance: Autosomal dominant inheritance. Affected: yes.

Dr. Peter K. Rogan Lab, Western University
No classification provided (evidence only). Condition: Glioma susceptibility 1. Review status: no classification provided. Collection method: in vitro. Allele origin: not applicable. Functional consequence: skipped exon. Not counted in ClinVar's aggregate classification.

Literature cited by the submitters: PubMed 16199547 (cited by Labcorp Genetics (formerly Invitae), Labcorp); PubMed 10712197 (cited by Labcorp Genetics (formerly Invitae), Labcorp); PubMed 23913538 (cited by Labcorp Genetics (formerly Invitae), Labcorp); PubMed 10980545 (cited by Labcorp Genetics (formerly Invitae), Labcorp); PubMed 25325900 (cited by Labcorp Genetics (formerly Invitae), Labcorp and Ambry Genetics).

NM_001042492.3(NF1):c.5269-1G>A

Gene: NF1 (neurofibromin 1; plus strand). Cytogenetic location: 17q11.2.
Variant type: single nucleotide variant.
Coding change: c.5269-1G>A on transcript NM_001042492.3 (MANE Select); the canonical splice acceptor site of the intron before coding-DNA position 5269, G replaced by A.
Molecular consequence: splice acceptor variant.
Genome position (GRCh38, 1-based): chr17:31,327,498, G>A. VCF-style: chr17-31327498-G-A. GRCh37 (hg19) VCF-style: chr17-29654516-G-A.
Other names: c.5206-1G>A (NM_000267.4).
Identifiers: ClinVar variation 233026 (VCV000233026.14), dbSNP rs876660141, ClinGen allele CA10580345.
Genomic context (GRCh38, chr17:31,327,498, plus strand): 5'-AGAATTTTATGTAAAAGAGTTTAATTCTTCTCCACTTCACCCCGTCACCACCACTTTCCA[G>A]GTTGGTTCTACTGCTGTCCAAGTAACTTCAGCAGAGCGAACAAAAGTCCTAGGGCAATCA-3'